The following is an entry in ClinVar:

ClinVar aggregate classification (germline): Benign. Review status: criteria provided, multiple submitters, no conflicts (2 of 4 stars). 2 submissions from 2 submitters: Benign (2). Last evaluated 2018-12-31.

Conditions:
Sialidosis type 2. Also called: NEURAMINIDASE DEFICIENCY; GLYCOPROTEIN NEURAMINIDASE DEFICIENCY; LIPOMUCOPOLYSACCHARIDOSIS; ML I; NEU DEFICIENCY; NEUG DEFICIENCY. Identifiers: Orphanet 812, Orphanet 87876, MedGen C4282398, MONDO:0009738, OMIM 256550.

Allele frequency attached by ClinVar (database versions not stated): gnomAD exomes 0.03840; 1000 Genomes Project 0.05331; 1000 Genomes Project 30x 0.05372; TOPMed 0.05549.
gnomAD v4.1: 27,400 of 657,548 alleles (4.2%); highest among the groups gnomAD compares: African/African-American, 10%; 813 homozygotes.

Submissions (2):

GeneDx
Classification: Benign. Last evaluated: 2018-12-31. Review status: criteria provided, single submitter. Criteria: GeneDx Variant Classification Process June 2021. Collection method: clinical testing. Allele origin: germline. Affected: yes.

Illumina Laboratory Services, Illumina
Classification: Benign for Sialidosis type 2. Last evaluated: 2018-01-12. Review status: criteria provided, single submitter. Criteria: ICSL Variant Classification Criteria 13 December 2019. Collection method: clinical testing. Allele origin: germline.
Comment: This variant was observed in the ICSL laboratory as part of a predisposition screen in an ostensibly healthy population. It had not been previously curated by ICSL or reported in the Human Gene Mutation Database (HGMD: prior to June 1st, 2018), and was therefore a candidate for classification through an automated scoring system. Utilizing variant allele frequency, disease prevalence and penetrance estimates, and inheritance mode, an automated score was calculated to assess if this variant is too frequent to cause the disease. Based on the score and internal cut-off values, a variant classified as benign is not then subjected to further curation. The score for this variant resulted in a classification of benign for this disease.

NM_000434.4(NEU1):c.*210T>A

Gene: NEU1 (neuraminidase 1; minus strand). Cytogenetic location: 6p21.33.
Variant type: single nucleotide variant.
Coding change: c.*210T>A on transcript NM_000434.4 (MANE Select); 210 bases downstream of the stop codon, T replaced by A.
Molecular consequence: 3 prime UTR variant.
Genome position (GRCh38, 1-based): chr6:31,859,509, A>T on the plus strand (T>A on the coding strand, the complement: NEU1 is on the minus strand). VCF-style: chr6-31859509-A-T. GRCh37 (hg19) VCF-style: chr6-31827286-A-T.
Identifiers: ClinVar variation 356229 (VCV000356229.8), dbSNP rs13118, ClinGen allele CA10626593.
Genomic context (GRCh38, chr6:31,859,509, plus strand): 5'-CGGGAGGGCAGAGAGGGTGGTGGGGCCACACTTAGCCATATGGAAAGACAGTATTCTCAG[A>T]TGAGGGCAGGACTTTTTTGTGGGAGAGGACGCCTAGCTTTCAGTCCTAAAGGAAGTGATT-3'